The following is an entry in ClinVar:

ClinVar aggregate classification (germline): Likely benign. Review status: criteria provided, multiple submitters, no conflicts (2 of 4 stars). 2 submissions from 2 submitters: Likely benign (2). Last evaluated 2024-06-13.

Conditions:
Ataxia-telangiectasia syndrome (AT). Also called: LOUIS-BAR SYNDROME; Cerebello-oculocutaneous telangiectasia; Immunodeficiency with ataxia telangiectasia; Ataxia telangiectasia (A-T); Ataxia-telangiectasia, complementation group D; AT, COMPLEMENTATION GROUP C. Identifiers: Orphanet 100, MedGen C0004135, MONDO:0008840, OMIM 208900.
Familial cancer of breast. Also called: BREAST CANCER, FAMILIAL; Hereditary breast cancer; hereditary breast carcinoma. Identifiers: Orphanet 227535, MedGen C0346153, MONDO:0016419, OMIM 114480. Disease mechanism: loss of function.

Submissions (2):

Myriad Genetics, Inc.
Classification: Likely benign for Familial cancer of breast. Last evaluated: 2024-06-13. Review status: criteria provided, single submitter. Criteria: Myriad Autosomal Dominant, Autosomal Recessive and X-Linked Classification Criteria (2023). Collection method: clinical testing. Allele origin: unknown.
Comment: This variant is considered likely benign. This variant is intronic and is not expected to impact mRNA splicing.

Labcorp Genetics (formerly Invitae), Labcorp
Classification: Likely benign for Ataxia-telangiectasia syndrome. Last evaluated: 2024-02-13. Review status: criteria provided, single submitter. Criteria: Invitae Variant Classification Sherloc (09022015). Collection method: clinical testing. Allele origin: germline.

NM_000051.4(ATM):c.7090-16T>C

Genes: ATM (ATM serine/threonine kinase; plus strand), C11orf65 (chromosome 11 open reading frame 65; minus strand). Cytogenetic location: 11q22.3.
Variant type: single nucleotide variant.
Coding change: c.7090-16T>C on transcript NM_000051.4 (MANE Select); 16 bases into the intron before coding-DNA position 7090, T replaced by C.
Molecular consequence: intron variant.
Genome position (GRCh38, 1-based): chr11:108,329,005, T>C. VCF-style: chr11-108329005-T-C. GRCh37 (hg19) VCF-style: chr11-108199732-T-C.
Other names: c.7090-16T>C (NM_001351834.2); c.641-19934A>G (NM_001330368.2); c.*38+6215A>G (NM_001351110.2).
Identifiers: ClinVar variation 2838234 (VCV002838234.4), dbSNP rs2547246187, ClinGen allele CA2739266030.